The following is an entry in ClinVar:

NM_021020.5(LZTS1):c.286G>A (p.Val96Met)

Gene: LZTS1 (leucine zipper tumor suppressor 1; minus strand). Cytogenetic location: 8p21.3.
Variant type: single nucleotide variant.
Coding change: c.286G>A on transcript NM_021020.5 (MANE Select); coding-DNA position 286, G replaced by A.
Protein change: p.Val96Met; replaces valine 96 with methionine.
Molecular consequence: missense variant.
Genome position (GRCh38, 1-based): chr8:20,254,896, C>T on the plus strand (G>A on the coding strand, the complement: LZTS1 is on the minus strand). VCF-style: chr8-20254896-C-T. GRCh37 (hg19) VCF-style: chr8-20112407-C-T.
Other names: c.286G>A, p.Val96Met (NM_001362884.2); short protein forms V96M.
Identifiers: ClinVar variation 3011955 (VCV003011955.3), dbSNP rs958640403, ClinGen allele CA173399824.
Genomic context (GRCh38, chr8:20,254,896, plus strand): 5'-CCATTTCTAGCTGATTGGAGAAGGGCATGAGCTTGGGGGGTGTGGACGGGTCAAAGTCCA[C>T]CCCAGCCTGGCCCCCTAAATCCCCGCTGGACAGTGCCGTGTAATCTGGGTGATGGGAGCC-3'
Protein context (NP_066300.1, residues 86-106): SSGDLGGQAG[Val96Met]DFDPSTPPKL

ClinVar aggregate classification (germline): Uncertain significance (1 of 4 stars; one submission).

Allele frequency attached by ClinVar (database versions not stated): TOPMed 0.00007.

Submission:

Labcorp Genetics (formerly Invitae), Labcorp
Classification: Uncertain significance. Last evaluated: 2023-08-03. Review status: criteria provided, single submitter. Criteria: Invitae Variant Classification Sherloc (09022015). Collection method: clinical testing. Allele origin: germline.
Comment: In summary, the available evidence is currently insufficient to determine the role of this variant in disease. Therefore, it has been classified as a Variant of Uncertain Significance. Advanced modeling of protein sequence and biophysical properties (such as structural, functional, and spatial information, amino acid conservation, physicochemical variation, residue mobility, and thermodynamic stability) performed at Invitae indicates that this missense variant is not expected to disrupt LZTS1 protein function. This variant has not been reported in the literature in individuals affected with LZTS1-related conditions. This variant is not present in population databases (gnomAD no frequency). This sequence change replaces valine, which is neutral and non-polar, with methionine, which is neutral and non-polar, at codon 96 of the LZTS1 protein (p.Val96Met).